The following is an entry in ClinVar:

NM_005670.4(EPM2A):c.619C>T (p.Arg207Cys)

Gene: EPM2A (EPM2A glucan phosphatase, laforin; minus strand). Cytogenetic location: 6q24.3.
Variant type: single nucleotide variant.
Coding change: c.619C>T on transcript NM_005670.4 (MANE Select); coding-DNA position 619, C replaced by T.
Protein change: p.Arg207Cys; replaces arginine 207 with cysteine.
Molecular consequence: missense variant. On other transcripts: intron variant (1).
Genome position (GRCh38, 1-based): chr6:145,635,344, G>A on the plus strand (C>T on the coding strand, the complement: EPM2A is on the minus strand). VCF-style: chr6-145635344-G-A. GRCh37 (hg19) VCF-style: chr6-145956480-G-A.
Other names: c.619C>T, p.Arg207Cys (NM_001018041.2, NM_001368130.1); c.205C>T, p.Arg69Cys (NM_001360064.2, NM_001360071.2, NM_001368131.1); c.157C>T, p.Arg53Cys (NM_001368129.2, NM_001368132.1); c.477-7651C>T (NM_001360057.2); short protein forms R69C, R53C, R207C.
Identifiers: ClinVar variation 961502 (VCV000961502.7), dbSNP rs186710183, ClinGen allele CA149184183.

ClinVar aggregate classification (germline): Uncertain significance (1 of 4 stars; one submission).

Conditions:
Progressive myoclonic epilepsy. Also called: Myoclonic Epilepsies, Progressive; Familial progressive myoclonic epilepsy; Myoclonus epilepsy; Progressive myoclonus epilepsy. Identifiers: Orphanet 308, Orphanet 98261, MedGen C0751778, MONDO:0020074.

Allele frequency attached by ClinVar (database versions not stated): gnomAD 0.00001; gnomAD exomes 0.00001; TOPMed 0.00002; 1000 Genomes Project 30x 0.00016; 1000 Genomes Project 0.00020.
gnomAD v4.1: 18 of 1,614,032 alleles (0.0011%); highest among the groups gnomAD compares: East Asian, 0.0045%; no homozygotes.

Submission:

Labcorp Genetics (formerly Invitae), Labcorp
Classification: Uncertain significance for Progressive myoclonic epilepsy. Last evaluated: 2023-11-27. Review status: criteria provided, single submitter. Criteria: Invitae Variant Classification Sherloc (09022015). Collection method: clinical testing. Allele origin: germline.
Comment: This sequence change replaces arginine, which is basic and polar, with cysteine, which is neutral and slightly polar, at codon 207 of the EPM2A protein (p.Arg207Cys). This variant is present in population databases (rs186710183, gnomAD 0.007%). This variant has not been reported in the literature in individuals affected with EPM2A-related conditions. ClinVar contains an entry for this variant (Variation ID: 961502). Advanced modeling of protein sequence and biophysical properties (such as structural, functional, and spatial information, amino acid conservation, physicochemical variation, residue mobility, and thermodynamic stability) has been performed at Invitae for this missense variant, however the output from this modeling did not meet the statistical confidence thresholds required to predict the impact of this variant on EPM2A protein function. In summary, the available evidence is currently insufficient to determine the role of this variant in disease. Therefore, it has been classified as a Variant of Uncertain Significance.